The following is an entry in ClinVar:

ClinVar aggregate classification (germline): Conflicting classifications of pathogenicity. Review status: criteria provided, conflicting classifications (1 of 4 stars). 4 submissions from 4 submitters: Pathogenic (2); Uncertain significance (2). Last evaluated 2026-02-28.

Conditions:
Intellectual developmental disorder with gastrointestinal difficulties and high pain threshold (JDVS). Also called: JANSEN-DE VRIES SYNDROME. Identifiers: Orphanet 653767, MedGen C4479517, MONDO:0044318, OMIM 617450.

Submissions (4):

Clinical Genomics Laboratory, Washington University in St. Louis
Classification: Pathogenic for Intellectual developmental disorder with gastrointestinal difficulties and high pain threshold. Last evaluated: 2026-02-28. Review status: criteria provided, single submitter. Criteria: ACMG Guidelines, 2015. Collection method: clinical testing. Allele origin: germline. Affected: yes.
Comment: The PPM1D c.1307_1308del (p.Ile436Thrfs*6) variant, to our knowledge, has not been reported in the medical literature but has been reported in the ClinVar database as a germline pathogenic variant by one submitter and a variant of uncertain significance by two submitters. This variant is absent from the general population (gnomAD v2.1.1), indicating it is not a common variant. This variant causes a frameshift by deleting two nucleotides, leading to a premature termination codon; however, because this occurs in the last exon, this is not predicted to lead to nonsense mediated decay. Other de novo truncating variants in this exon have been described in affected individuals and are considered pathogenic (Jansen S et al., PMID: 28343630; Porrmann J et al., PMID: 29758292; Wojcik MH et al., PMID: 37183572). Based on available information and the ACMG/AMP guidelines for variant interpretation (Richards S et al., PMID: 25741868), this variant is classified as pathogenic.

Women's Health and Genetics/Laboratory Corporation of America, LabCorp
Classification: Uncertain significance. Last evaluated: 2025-11-07. Review status: criteria provided, single submitter. Criteria: LabCorp Variant Classification Summary - May 2015. Collection method: clinical testing. Allele origin: germline.
Comment: Variant summary: PPM1D c.1307_1308delTA (p.Ile436ThrfsX6) results in a premature termination codon in the last exon, predicted to cause a truncation of the encoded protein, however nonsense mediated decay is not predicted and current evidence is not sufficient to establish loss of function as a mechanism for disease. The variant was absent in 251332 control chromosomes. The available data on variant occurrences in the general population are insufficient to allow any conclusion about variant significance. c.1307_1308delTA has been observed in at least 1 individual(s) affected with clinical features of Intellectual Developmental Disorder With Gastrointestinal Difficulties And High Pain Threshold (Jansen De Vries Syndrome)(internal data). These data do not allow any conclusion about variant significance. To our knowledge, no experimental evidence demonstrating an impact on protein function has been reported. However, numerous non-NMD truncations have been reported de novo among individuals with clinical features of Jansen De Vries Syndrome both upstream and downstream of this variant, suggesting retention of a truncated form of the PPM1D protein is deleterious, though we note that a molecular mechanism has not yet been established (PMID: 28343630). ClinVar contains an entry for this variant (Variation ID: 1324959). Based on the evidence outlined above, the variant was classified as uncertain significance.

Labcorp Genetics (formerly Invitae), Labcorp
Classification: Uncertain significance. Last evaluated: 2025-10-01. Review status: criteria provided, single submitter. Criteria: Invitae Variant Classification Sherloc (09022015). Collection method: clinical testing. Allele origin: germline.
Comment: This sequence change creates a premature translational stop signal (p.Ile436Thrfs*6) in the PPM1D gene. While this is not anticipated to result in nonsense mediated decay, it is expected to disrupt the last 170 amino acid(s) of the PPM1D protein. This variant is not present in population databases (gnomAD no frequency). This variant has not been reported in the literature in individuals affected with PPM1D-related conditions. In summary, the available evidence is currently insufficient to determine the role of this variant in disease. Therefore, it has been classified as a Variant of Uncertain Significance.

GeneDx
Classification: Pathogenic. Last evaluated: 2024-08-01. Review status: criteria provided, single submitter. Criteria: GeneDx Variant Classification Process June 2021. Collection method: clinical testing. Allele origin: germline. Affected: yes.
Comment: Frameshift variant predicted to result in abnormal protein length as the last 170 amino acids are replaced with 5 different amino acids, and other similar variants have been reported in HGMD; Not observed at significant frequency in large population cohorts (gnomAD); Has not been previously published as pathogenic or benign to our knowledge

NM_003620.4(PPM1D):c.1307_1308del (p.Ile436fs)

Gene: PPM1D (protein phosphatase, Mg2+/Mn2+ dependent 1D; plus strand). Cytogenetic location: 17q23.2.
Variant type: Microsatellite.
Coding change: c.1307_1308del on transcript NM_003620.4 (MANE Select); coding-DNA positions 1307 to 1308, 2 bases deleted (TA; older notation c.1307_1308delTA).
Protein change: p.Ile436fs; shifts the reading frame from isoleucine 436.
Molecular consequence: frameshift variant.
Genome position (GRCh38, 1-based): chr17:60,663,041-60,663,042, TA deleted; deleting any 2 consecutive bases within chr17:60,663,038-60,663,042 gives the same sequence; the c. name uses the placement nearest the transcript's 3' end. VCF-style (leftmost placement, unchanged base first): chr17-60663037-CAT-C. GRCh37 (hg19) VCF-style: chr17-58740398-CAT-C.
Other names: c.1307_1308delTA (NM_003620.4); short protein forms I436fs.
Identifiers: ClinVar variation 1324959 (VCV001324959.9), dbSNP rs2143731129, ClinGen allele CA2576343456.